The following is an entry in ClinVar:

ClinVar aggregate classification (germline): Uncertain significance. Review status: criteria provided, multiple submitters, no conflicts (2 of 4 stars). 4 submissions from 4 submitters: Uncertain significance (4). Last evaluated 2025-01-31.

Conditions:
Miller syndrome (POADS). Also called: GENEE-WIEDEMANN SYNDROME; Genee-Wiedemann acrofacial dysostosis. Identifiers: Orphanet 246, MedGen C0265257, MONDO:0009903, OMIM 263750.

Allele frequency attached by ClinVar (database versions not stated): ExAC 0.00038; gnomAD exomes 0.00047 and 0.00095; ESP Exome Variant Server 0.00074; gnomAD 0.00045; TOPMed 0.00046.
gnomAD v4.1: 1,453 of 1,614,076 alleles (0.09%); highest among the groups gnomAD compares: Non-Finnish European, 0.12%; no homozygotes.

Submissions (4):

GeneDx
Classification: Uncertain significance. Last evaluated: 2025-01-31. Review status: criteria provided, single submitter. Criteria: GeneDx Variant Classification Process June 2021. Collection method: clinical testing. Allele origin: germline. Affected: yes.
Comment: In silico analysis supports that this missense variant has a deleterious effect on protein structure/function; Has not been previously published as pathogenic or benign to our knowledge

Blueprint Genetics
Classification: Uncertain significance. Last evaluated: 2024-11-01. Review status: criteria provided, single submitter. Criteria: ACMG Guidelines, 2015. Collection method: clinical testing. Allele origin: germline.

Labcorp Genetics (formerly Invitae), Labcorp
Classification: Uncertain significance. Last evaluated: 2022-09-06. Review status: criteria provided, single submitter. Criteria: Invitae Variant Classification Sherloc (09022015). Collection method: clinical testing. Allele origin: germline.
Comment: This sequence change replaces arginine, which is basic and polar, with histidine, which is basic and polar, at codon 297 of the DHODH protein (p.Arg297His). This variant is present in population databases (rs200181357, gnomAD 0.08%), and has an allele count higher than expected for a pathogenic variant. This variant has not been reported in the literature in individuals affected with DHODH-related conditions. ClinVar contains an entry for this variant (Variation ID: 320436). Algorithms developed to predict the effect of missense changes on protein structure and function (SIFT, PolyPhen-2, Align-GVGD) all suggest that this variant is likely to be tolerated. In summary, the available evidence is currently insufficient to determine the role of this variant in disease. Therefore, it has been classified as a Variant of Uncertain Significance.

Illumina Laboratory Services, Illumina
Classification: Uncertain significance for Miller syndrome. Last evaluated: 2018-01-12. Review status: criteria provided, single submitter. Criteria: ICSL Variant Classification Criteria 13 December 2019. Collection method: clinical testing. Allele origin: germline.

NM_001361.5(DHODH):c.890G>A (p.Arg297His)

Gene: DHODH (dihydroorotate dehydrogenase (quinone); plus strand). Cytogenetic location: 16q22.2.
Variant type: single nucleotide variant.
Coding change: c.890G>A on transcript NM_001361.5 (MANE Select); coding-DNA position 890, G replaced by A.
Protein change: p.Arg297His; replaces arginine 297 with histidine.
Molecular consequence: missense variant.
Genome position (GRCh38, 1-based): chr16:72,023,235, G>A. VCF-style: chr16-72023235-G-A. GRCh37 (hg19) VCF-style: chr16-72057134-G-A.
Other names: short protein forms R297H.
Identifiers: ClinVar variation 320436 (VCV000320436.8), dbSNP rs200181357, ClinGen allele CA8158799.